The following is an entry in ClinVar:

ClinVar aggregate classification (germline): Likely pathogenic. Review status: criteria provided, multiple submitters, no conflicts (2 of 4 stars). 2 submissions from 2 submitters: Likely pathogenic (2). Last evaluated 2025-10-29.

Conditions:
Leber congenital amaurosis (LCA). Also called: Leber's amaurosis. Identifiers: Orphanet 65, MedGen C0339527, MeSH D057130, MONDO:0018998.
Retinitis pigmentosa 20 (RP20). Identifiers: Orphanet 791, MedGen C3151086, MONDO:0013425, OMIM 613794.
Leber congenital amaurosis 2 (LCA2). Also called: AMAUROSIS CONGENITA OF LEBER II; Autosomal Recessive RPE65-Related Retinal Degeneration. Identifiers: Orphanet 65, MedGen C1859844, MONDO:0008765, OMIM 204100. Disease mechanism: loss of function.
Retinitis pigmentosa 87 with choroidal involvement. Identifiers: MedGen C5231465, MONDO:0032873, OMIM 618697.

Submissions (2):

Natera, Inc.
Classification: Likely pathogenic for Leber congenital amaurosis. Last evaluated: 2025-10-29. Review status: criteria provided, single submitter. Criteria: Natera Variant Classification Schema (03/2026). Collection method: clinical testing. Allele origin: germline.
Comment: The c.1244-1G>A variant in RPE65 is a canonical splice acceptor site variant predicted to affect pre-mRNA splicing, which may result in an abnormal transcript and altered protein product. This variant is expected to result in nonsense mediated decay, truncation, or a dysfunctional protein product. This variant is rare in the general population with a frequency below the threshold expected for the associated phenotype(s). Given the available evidence, this variant is classified as Likely Pathogenic.

Fulgent Genetics
Classification: Likely pathogenic for Leber congenital amaurosis 2; Retinitis pigmentosa 20; Retinitis pigmentosa 87 with choroidal involvement. Last evaluated: 2024-05-29. Review status: criteria provided, single submitter. Criteria: ACMG Guidelines, 2015. Collection method: clinical testing. Allele origin: germline.

NM_000329.3(RPE65):c.1244-1G>A

Gene: RPE65 (retinoid isomerohydrolase RPE65; minus strand). Cytogenetic location: 1p31.3.
Variant type: single nucleotide variant.
Coding change: c.1244-1G>A on transcript NM_000329.3 (MANE Select); the canonical splice acceptor site of the intron before coding-DNA position 1244, G replaced by A.
Molecular consequence: splice acceptor variant.
Genome position (GRCh38, 1-based): chr1:68,431,377, C>T on the plus strand (G>A on the coding strand, the complement: RPE65 is on the minus strand). VCF-style: chr1-68431377-C-T. GRCh37 (hg19) VCF-style: chr1-68897060-C-T.
Other names: c.968-1G>A (NM_001406857.1, NM_001406856.1); c.1136-1G>A (NM_001406853.1); c.1244-1G>A (NM_000329.2).
Identifiers: ClinVar variation 3587563 (VCV003587563.2).